The following is an entry in ClinVar:

ClinVar aggregate classification (germline): Uncertain significance (1 of 4 stars; one submission).

Submission:

Labcorp Genetics (formerly Invitae), Labcorp
Classification: Uncertain significance. Last evaluated: 2026-01-12. Review status: criteria provided, single submitter. Criteria: Invitae Variant Classification Sherloc (09022015). Collection method: clinical testing. Allele origin: germline.
Comment: This sequence change replaces serine, which is neutral and polar, with alanine, which is neutral and non-polar, at codon 196 of the PAFAH1B1 protein (p.Ser196Ala). This variant is not present in population databases (gnomAD no frequency). This variant has not been reported in the literature in individuals affected with PAFAH1B1-related conditions. ClinVar contains an entry for this variant (Variation ID: 3659266). An algorithm developed to predict the effect of missense changes on protein structure and function (PolyPhen-2) suggests that this variant is likely to be disruptive. In summary, the available evidence is currently insufficient to determine the role of this variant in disease. Therefore, it has been classified as a Variant of Uncertain Significance.

NM_000430.4(PAFAH1B1):c.586T>G (p.Ser196Ala)

Gene: PAFAH1B1 (platelet activating factor acetylhydrolase 1b regulatory subunit 1; plus strand). Cytogenetic location: 17p13.3.
Variant type: single nucleotide variant.
Coding change: c.586T>G on transcript NM_000430.4 (MANE Select); coding-DNA position 586, T replaced by G.
Protein change: p.Ser196Ala; replaces serine 196 with alanine.
Molecular consequence: missense variant.
Genome position (GRCh38, 1-based): chr17:2,672,672, T>G. VCF-style: chr17-2672672-T-G. GRCh37 (hg19) VCF-style: chr17-2575966-T-G.
Other names: short protein forms S196A.
Identifiers: ClinVar variation 3659266 (VCV003659266.2).